The following is an entry in ClinVar:

ClinVar aggregate classification (germline): Uncertain significance (1 of 4 stars; one submission).

Conditions:
Hereditary cancer-predisposing syndrome. Also called: Tumor predisposition; Hereditary neoplastic syndrome; Neoplastic Syndromes, Hereditary; Hereditary Cancer Syndrome. Identifiers: Orphanet 140162, MedGen C0027672, MeSH D009386, MONDO:0015356.

Submission:

Ambry Genetics
Classification: Uncertain significance for Hereditary cancer-predisposing syndrome. Last evaluated: 2025-04-06. Review status: criteria provided, single submitter. Criteria: Ambry Variant Classification Scheme 2023. Collection method: clinical testing. Allele origin: germline.
Comment: The p.R624L variant (also known as c.1871G>T), located in coding exon 10 of the DICER1 gene, results from a G to T substitution at nucleotide position 1871. The arginine at codon 624 is replaced by leucine, an amino acid with dissimilar properties. This amino acid position is conserved. In addition, the in silico prediction for this alteration is inconclusive. Based on the available evidence, the clinical significance of this variant remains unclear.

NM_177438.3(DICER1):c.1871G>T (p.Arg624Leu)

Gene: DICER1 (dicer 1, ribonuclease III; minus strand). Cytogenetic location: 14q32.13.
Variant type: single nucleotide variant.
Coding change: c.1871G>T on transcript NM_177438.3 (MANE Select); coding-DNA position 1871, G replaced by T.
Protein change: p.Arg624Leu; replaces arginine 624 with leucine.
Molecular consequence: missense variant. On other transcripts: non-coding transcript variant (6).
Genome position (GRCh38, 1-based): chr14:95,115,703, C>A on the plus strand (G>T on the coding strand, the complement: DICER1 is on the minus strand). VCF-style: chr14-95115703-C-A. GRCh37 (hg19) VCF-style: chr14-95582040-C-A.
Other names: c.1871G>T, p.Arg624Leu (NM_001195573.1, NM_001271282.3, NM_001291628.2 and 12 more transcripts); c.1589G>T, p.Arg530Leu (NM_001395686.1); c.1466G>T, p.Arg489Leu (NM_001395687.1, NM_001395688.1, NM_001395689.1 and 3 more transcripts); c.1304G>T, p.Arg435Leu (NM_001395691.1); c.188G>T, p.Arg63Leu (NM_001395697.1); short protein forms R624L, R63L, R435L, R489L, R530L.
Identifiers: ClinVar variation 4011618 (VCV004011618.1).